The following is an entry in ClinVar:

ClinVar aggregate classification (germline): Conflicting classifications of pathogenicity. Review status: criteria provided, conflicting classifications (1 of 4 stars). 2 submissions from 2 submitters: Uncertain significance (1); Likely benign (1). Last evaluated 2026-04-01.

gnomAD v4.1: 664 of 1,550,406 alleles (0.043%); highest among the groups gnomAD compares: African/African-American, 0.82%; 1 homozygote.

Submissions (2):

CeGaT Center for Human Genetics Tuebingen
Classification: Likely benign. Last evaluated: 2026-04-01. Review status: criteria provided, single submitter. Criteria: CeGaT Center For Human Genetics Tuebingen Variant Classification Criteria Version 2. Collection method: clinical testing. Allele origin: germline. Affected: yes. Observed: 1 variant allele.
Comment: FAM149B1: BP4

Ambry Genetics
Classification: Uncertain significance. Last evaluated: 2025-08-05. Review status: criteria provided, single submitter. Criteria: Ambry Variant Classification Scheme 2023. Collection method: clinical testing. Allele origin: germline.

NM_173348.2(FAM149B1):c.499G>T (p.Ala167Ser)

Gene: FAM149B1 (family with sequence similarity 149 member B1; plus strand). Cytogenetic location: 10q22.2.
Variant type: single nucleotide variant.
Coding change: c.499G>T on transcript NM_173348.2 (MANE Select); coding-DNA position 499, G replaced by T.
Protein change: p.Ala167Ser; replaces alanine 167 with serine.
Molecular consequence: missense variant.
Genome position (GRCh38, 1-based): chr10:73,193,550, G>T. VCF-style: chr10-73193550-G-T. GRCh37 (hg19) VCF-style: chr10-74953308-G-T.
Other names: short protein forms A167S.
Identifiers: ClinVar variation 4252938 (VCV004252938.3).